The following is an entry in ClinVar:

NM_032447.5(FBN3):c.448A>T (p.Ile150Phe)

Gene: FBN3 (fibrillin 3; minus strand). Cytogenetic location: 19p13.2.
Variant type: single nucleotide variant.
Coding change: c.448A>T on transcript NM_032447.5 (MANE Select); coding-DNA position 448, A replaced by T.
Protein change: p.Ile150Phe; replaces isoleucine 150 with phenylalanine.
Molecular consequence: missense variant.
Genome position (GRCh38, 1-based): chr19:8,144,970, T>A on the plus strand (A>T on the coding strand, the complement: FBN3 is on the minus strand). VCF-style: chr19-8144970-T-A. GRCh37 (hg19) VCF-style: chr19-8209854-T-A.
Other names: c.448A>T, p.Ile150Phe (NM_001321431.2); c.448A>T (NM_001321431.1); short protein forms I150F.
Identifiers: ClinVar variation 774353 (VCV000774353.13), dbSNP rs117724347, ClinGen allele CA9153720.

ClinVar aggregate classification (germline): Likely benign. Review status: criteria provided, multiple submitters, no conflicts (2 of 4 stars). 3 submissions from 3 submitters: Likely benign (2). 1 of the submissions does not count toward it. Last evaluated 2026-01-31.

Conditions:
FBN3-related disorder. Also called: FBN3-related condition.

Allele frequency attached by ClinVar (database versions not stated): 1000 Genomes Project 0.00300; 1000 Genomes Project 30x 0.00328; TOPMed 0.00437; gnomAD 0.00465 and 0.00483; gnomAD exomes 0.00470 and 0.00731; ESP Exome Variant Server 0.00554; ExAC 0.00570.
gnomAD v4.1: 11,183 of 1,608,626 alleles (0.7%); highest among the groups gnomAD compares: Non-Finnish European, 0.86%; 51 homozygotes.

Submissions (3):

Labcorp Genetics (formerly Invitae), Labcorp
Classification: Likely benign. Last evaluated: 2026-01-31. Review status: criteria provided, single submitter. Criteria: Invitae Variant Classification Sherloc (09022015). Collection method: clinical testing. Allele origin: germline.

Breakthrough Genomics
Classification: Likely benign. Review status: criteria provided, single submitter. Criteria: ACMG Guidelines, 2015. Collection method: not provided. Allele origin: germline. Inheritance: Unknown mechanism. Affected: yes.

PreventionGenetics, part of Exact Sciences
Classification: Benign for FBN3-related condition. Last evaluated: 2019-02-21. Review status: no assertion criteria provided. Collection method: clinical testing. Allele origin: germline. Not counted in ClinVar's aggregate classification.
Comment: This variant is classified as benign based on ACMG/AMP sequence variant interpretation guidelines (Richards et al. 2015 PMID: 25741868, with internal and published modifications).